The following is an entry in ClinVar:

NM_014975.3(MAST1):c.3024A>G (p.Pro1008=)

Gene: MAST1 (microtubule associated serine/threonine kinase 1; plus strand). Cytogenetic location: 19p13.13.
Variant type: single nucleotide variant.
Coding change: c.3024A>G on transcript NM_014975.3 (MANE Select); coding-DNA position 3024, A replaced by G.
Protein change: p.Pro1008=; no amino-acid change (proline 1008 retained).
Molecular consequence: synonymous variant.
Genome position (GRCh38, 1-based): chr19:12,870,844, A>G. VCF-style: chr19-12870844-A-G. GRCh37 (hg19) VCF-style: chr19-12981658-A-G.
Identifiers: ClinVar variation 2649353 (VCV002649353.27), dbSNP rs201267324, ClinGen allele CA9233294.
Genomic context (GRCh38, chr19:12,870,844, plus strand): 5'-ATCCCACTAACCCTGTCCCTATGGGGTGCTCTTTTCCCAGCATGTGGAGGAAGGAGGCCC[A>G]GCCCAGGAGGCAGGACTCTGTGCTGGGGACCTCATCACCCACGTGAATGGGGAGCCTGTG-3'
Protein context (NP_055790.1, residues 998-1018): HIVWHVEEGG[Pro1008=]AQEAGLCAGD

ClinVar aggregate classification (germline): Benign/Likely benign. Review status: criteria provided, multiple submitters, no conflicts (2 of 4 stars). 2 submissions from 2 submitters: Benign (1); Likely benign (1). Last evaluated 2023-07-29.

Allele frequency attached by ClinVar (database versions not stated): TOPMed 0.00008; gnomAD 0.00013; 1000 Genomes Project 0.00020; ExAC 0.00022; gnomAD exomes 0.00022; 1000 Genomes Project 30x 0.00047.
gnomAD v4.1: 343 of 1,609,414 alleles (0.021%); highest among the groups gnomAD compares: South Asian, 0.11%; 1 homozygote.

Submissions (2):

Labcorp Genetics (formerly Invitae), Labcorp
Classification: Benign. Last evaluated: 2023-07-29. Review status: criteria provided, single submitter. Criteria: Invitae Variant Classification Sherloc (09022015). Collection method: clinical testing. Allele origin: germline.

CeGaT Center for Human Genetics Tuebingen
Classification: Likely benign. Last evaluated: 2023-02-01. Review status: criteria provided, single submitter. Criteria: CeGaT Center For Human Genetics Tuebingen Variant Classification Criteria Version 2. Collection method: clinical testing. Allele origin: germline. Affected: yes. Observed: 1 variant allele.
Comment: MAST1: BP4, BP7